The following is an entry in ClinVar:

ClinVar aggregate classification (germline): Likely pathogenic (1 of 4 stars; one submission).

Conditions:
Primary ciliary dyskinesia 7. Also called: CILIARY DYSKINESIA, PRIMARY, 7, WITH OR WITHOUT SITUS INVERSUS. Identifiers: Orphanet 244, MedGen C2678473, MONDO:0012748, OMIM 611884.

gnomAD v4.1: 4 of 1,593,310 alleles (0.00025%); highest among the groups gnomAD compares: East Asian, 0.0023%; no homozygotes.

Submission:

Broad Center for Mendelian Genomics, Broad Institute of MIT and Harvard
Classification: Likely pathogenic for Primary ciliary dyskinesia 7. Last evaluated: 2025-02-11. Review status: criteria provided, single submitter. Criteria: ACMG Guidelines, 2015. Collection method: curation. Allele origin: germline. Inheritance: Autosomal recessive inheritance.
Comment: The c.2169+2T>C variant in DNAH11 has been reported, in the compound heterozygous state, in 1 individual with primary ciliary dyskinesia (PMID: 37957793), and has been identified in 0.002% (1/43872) of East Asian chromosomes by the Genome Aggregation Database (gnomAD). Although this variant has been seen in the general population in a heterozygous state, its frequency is low enough to be consistent with a recessive carrier frequency. This variant is located in the 3' splice region. Computational tools predict a splicing impact, though this information is not predictive enough to determine pathogenicity. Loss of function of the DNAH11 gene is an established disease mechanism in autosomal recessive primary ciliary dyskinesia. In summary, although additional studies are required to fully establish its clinical significance, this variant is likely pathogenic for autosomal recessive primary ciliary dyskinesia. ACMG/AMP Criteria applied: PVS1, PM2_supporting (Richards 2015).

NM_001277115.2(DNAH11):c.2169+2T>C

Gene: DNAH11 (dynein axonemal heavy chain 11; plus strand). Cytogenetic location: 7p15.3.
Variant type: single nucleotide variant.
Coding change: c.2169+2T>C on transcript NM_001277115.2 (MANE Select); the canonical splice donor site of the intron after coding-DNA position 2169, T replaced by C.
Molecular consequence: splice donor variant.
Genome position (GRCh38, 1-based): chr7:21,589,405, T>C. VCF-style: chr7-21589405-T-C. GRCh37 (hg19) VCF-style: chr7-21629023-T-C.
Other names: NM_001277115.2:c.2169+2T>C.
Identifiers: ClinVar variation 3776910 (VCV003776910.1).